The following is an entry in ClinVar:

ClinVar aggregate classification (germline): Uncertain significance (1 of 4 stars; one submission).

Conditions:
Gorlin syndrome. Also called: Nevoid Basal Cell Carcinoma Syndrome; Basal cell nevus syndrome. Identifiers: Orphanet 377, MedGen C0004779, MONDO:0007187.

Submission:

Labcorp Genetics (formerly Invitae), Labcorp
Classification: Uncertain significance for Gorlin syndrome. Last evaluated: 2023-04-09. Review status: criteria provided, single submitter. Criteria: Invitae Variant Classification Sherloc (09022015). Collection method: clinical testing. Allele origin: germline.
Comment: In summary, the available evidence is currently insufficient to determine the role of this variant in disease. Therefore, it has been classified as a Variant of Uncertain Significance. Advanced modeling of protein sequence and biophysical properties (such as structural, functional, and spatial information, amino acid conservation, physicochemical variation, residue mobility, and thermodynamic stability) performed at Invitae indicates that this missense variant is not expected to disrupt PTCH1 protein function. This variant has not been reported in the literature in individuals affected with PTCH1-related conditions. This variant is not present in population databases (gnomAD no frequency). This sequence change replaces tryptophan, which is neutral and slightly polar, with arginine, which is basic and polar, at codon 278 of the PTCH1 protein (p.Trp278Arg).

NM_000264.5(PTCH1):c.832T>C (p.Trp278Arg)

Gene: PTCH1 (patched 1; minus strand). Cytogenetic location: 9q22.32.
Variant type: single nucleotide variant.
Coding change: c.832T>C on transcript NM_000264.5 (MANE Select); coding-DNA position 832, T replaced by C.
Protein change: p.Trp278Arg; replaces tryptophan 278 with arginine.
Molecular consequence: missense variant. On other transcripts: non-coding transcript variant (1).
Genome position (GRCh38, 1-based): chr9:95,480,503, A>G on the plus strand (T>C on the coding strand, the complement: PTCH1 is on the minus strand). VCF-style: chr9-95480503-A-G. GRCh37 (hg19) VCF-style: chr9-98242785-A-G.
Other names: c.634T>C, p.Trp212Arg (NM_001083602.3); c.829T>C, p.Trp277Arg (NM_001083603.3); c.379T>C, p.Trp127Arg (NM_001083604.3, NM_001083605.3, NM_001083606.3 and 1 more transcripts); c.832T>C, p.Trp278Arg (NM_001354918.2); short protein forms W212R, W277R, W278R, W127R.
Identifiers: ClinVar variation 2854396 (VCV002854396.3), dbSNP rs1219459429, ClinGen allele CA374114135.